The following is an entry in ClinVar:

ClinVar aggregate classification (germline): Uncertain significance. Review status: criteria provided, multiple submitters, no conflicts (2 of 4 stars). 2 submissions from 2 submitters: Uncertain significance (2). Last evaluated 2022-07-12.

Conditions:
Inborn genetic diseases. Identifiers: MedGen C0950123, MeSH D030342.
Anterior segment dysgenesis 7 (ASGD7). Also called: SCLEROCORNEA WITH OTHER OCULAR ANOMALIES; Anterior segment dysgenesis 7, with sclerocornea. Identifiers: Orphanet 289499, MedGen C3151617, MONDO:0010015, OMIM 269400.

Allele frequency attached by ClinVar (database versions not stated): 1000 Genomes Project 30x 0.00016; 1000 Genomes Project 0.00020; ESP Exome Variant Server 0.00024; gnomAD exomes 0.00028 and 0.00043; gnomAD 0.00030 and 0.00031; ExAC 0.00031; TOPMed 0.00042.
gnomAD v4.1: 672 of 1,613,988 alleles (0.042%); highest among the groups gnomAD compares: Admixed American, 0.053%; no homozygotes.

Submissions (2):

Labcorp Genetics (formerly Invitae), Labcorp
Classification: Uncertain significance for Anterior segment dysgenesis 7. Last evaluated: 2022-07-12. Review status: criteria provided, single submitter. Criteria: Invitae Variant Classification Sherloc (09022015). Collection method: clinical testing. Allele origin: germline.
Comment: This sequence change replaces threonine, which is neutral and polar, with alanine, which is neutral and non-polar, at codon 1382 of the PXDN protein (p.Thr1382Ala). In summary, the available evidence is currently insufficient to determine the role of this variant in disease. Therefore, it has been classified as a Variant of Uncertain Significance. Algorithms developed to predict the effect of missense changes on protein structure and function output the following: SIFT: "Tolerated"; PolyPhen-2: "Benign"; Align-GVGD: "Class C0". The alanine amino acid residue is found in multiple mammalian species, which suggests that this missense change does not adversely affect protein function. ClinVar contains an entry for this variant (Variation ID: 1466502). This variant has not been reported in the literature in individuals affected with PXDN-related conditions. This variant is present in population databases (rs201039175, gnomAD 0.05%).

Ambry Genetics
Classification: Uncertain significance for Inborn genetic diseases. Last evaluated: 2021-10-05. Review status: criteria provided, single submitter. Criteria: Ambry Variant Classification Scheme 2023. Collection method: clinical testing. Allele origin: germline.

NM_012293.3(PXDN):c.4144A>G (p.Thr1382Ala)

Gene: PXDN (peroxidasin; minus strand). Cytogenetic location: 2p25.3.
Variant type: single nucleotide variant.
Coding change: c.4144A>G on transcript NM_012293.3 (MANE Select); coding-DNA position 4144, A replaced by G.
Protein change: p.Thr1382Ala; replaces threonine 1382 with alanine.
Molecular consequence: missense variant.
Genome position (GRCh38, 1-based): chr2:1,638,908, T>C on the plus strand (A>G on the coding strand, the complement: PXDN is on the minus strand). VCF-style: chr2-1638908-T-C. GRCh37 (hg19) VCF-style: chr2-1642680-T-C.
Other names: c.4144A>G (NM_012293.1); short protein forms T1382A.
Identifiers: ClinVar variation 1466502 (VCV001466502.7), dbSNP rs201039175, ClinGen allele CA1512501.